The following is an entry in ClinVar:

ClinVar aggregate classification (germline): Conflicting classifications of pathogenicity. Review status: criteria provided, conflicting classifications (1 of 4 stars). 3 submissions from 3 submitters: Uncertain significance (2); Benign (1). Last evaluated 2025-04-21.

Conditions:
Tuberous sclerosis 2 (TSC2). Identifiers: Orphanet 805, MedGen C1860707, MONDO:0013199, OMIM 613254.
Tuberous sclerosis syndrome (TSC). Also called: Tuberous Sclerosis Complex; Tuberous sclerosis. Identifiers: Orphanet 805, MedGen C0041341, MONDO:0001734.
Hereditary cancer-predisposing syndrome. Also called: Neoplastic Syndromes, Hereditary; Hereditary neoplastic syndrome; Tumor predisposition; Hereditary Cancer Syndrome. Identifiers: Orphanet 140162, MedGen C0027672, MeSH D009386, MONDO:0015356.

Allele frequency attached by ClinVar (database versions not stated): gnomAD exomes below 0.00001; gnomAD 0.00001; TOPMed 0.00001.
gnomAD v4.1: 4 of 1,600,394 alleles (0.00025%); highest among the groups gnomAD compares: Admixed American, 0.0017%; no homozygotes.

Submissions (3):

Ambry Genetics
Classification: Uncertain significance for Hereditary cancer-predisposing syndrome. Last evaluated: 2025-04-21. Review status: criteria provided, single submitter. Criteria: Ambry Variant Classification Scheme 2023. Collection method: clinical testing. Allele origin: germline.
Comment: The p.P662S variant (also known as c.1984C>T), located in coding exon 18 of the TSC2 gene, results from a C to T substitution at nucleotide position 1984. The proline at codon 662 is replaced by serine, an amino acid with similar properties. This amino acid position is not well conserved in available vertebrate species, and serine is the reference amino acid in other vertebrate species. In addition, this alteration is predicted to be tolerated by in silico analysis. Based on the available evidence, the clinical significance of this variant remains unclear.

Labcorp Genetics (formerly Invitae), Labcorp
Classification: Benign for Tuberous sclerosis 2. Last evaluated: 2025-03-27. Review status: criteria provided, single submitter. Criteria: Invitae Variant Classification Sherloc (09022015). Collection method: clinical testing. Allele origin: germline.

All of Us Research Program, National Institutes of Health
Classification: Uncertain significance for Tuberous sclerosis syndrome. Last evaluated: 2023-11-02. Review status: criteria provided, single submitter. Criteria: ACMG Guidelines, 2015. Collection method: clinical testing. Allele origin: germline. Inheritance: Autosomal dominant inheritance. Observed: 1 variant allele, 1 heterozygote.
Comment: This missense variant replaces proline with serine at codon 662 of the TSC2 protein. Computational prediction suggests that this variant may not impact protein structure and function (internally defined REVEL score threshold <= 0.5, PMID: 27666373). To our knowledge, functional studies have not been reported for this variant. This variant has not been reported in individuals affected with tuberous sclerosis complex in the literature. This variant has been identified in 1/219184 chromosomes in the general population by the Genome Aggregation Database (gnomAD). The available evidence is insufficient to determine the role of this variant in disease conclusively. Therefore, this variant is classified as a Variant of Uncertain Significance.

This study involves interpretation of variants in research participants for the purpose of population health screening. Participant phenotype was not available at the time of variant classification. Additional details can be found in publication PMID: 35346344, PMCID: PMC8962531

NM_000548.5(TSC2):c.1984C>T (p.Pro662Ser)

Gene: TSC2 (TSC complex subunit 2; plus strand). Cytogenetic location: 16p13.3.
Variant type: single nucleotide variant.
Coding change: c.1984C>T on transcript NM_000548.5 (MANE Select); coding-DNA position 1984, C replaced by T.
Protein change: p.Pro662Ser; replaces proline 662 with serine.
Molecular consequence: missense variant.
Genome position (GRCh38, 1-based): chr16:2,071,821, C>T. VCF-style: chr16-2071821-C-T. GRCh37 (hg19) VCF-style: chr16-2121822-C-T.
Other names: c.1984C>T, p.Pro662Ser (NM_001077183.3, NM_001114382.3, NM_001363528.2 and 3 more transcripts); c.1873C>T, p.Pro625Ser (NM_001318827.2); c.1837C>T, p.Pro613Ser (NM_001318829.2); c.1384C>T, p.Pro462Ser (NM_001318831.2); c.2017C>T, p.Pro673Ser (NM_001318832.2); short protein forms P625S, P662S, P673S, P613S, P462S.
Identifiers: ClinVar variation 842221 (VCV000842221.11), dbSNP rs1309151152, ClinGen allele CA394274386.